The following is an entry in ClinVar:

ClinVar aggregate classification (germline): Pathogenic. Review status: criteria provided, multiple submitters, no conflicts (2 of 4 stars). 2 submissions from 2 submitters: Pathogenic (2). Last evaluated 2025-03-30.

Conditions:
Hereditary cancer-predisposing syndrome. Also called: Hereditary neoplastic syndrome; Tumor predisposition; Neoplastic Syndromes, Hereditary; Hereditary Cancer Syndrome. Identifiers: Orphanet 140162, MedGen C0027672, MeSH D009386, MONDO:0015356.
Neurofibromatosis, type 1 (NF1). Also called: Neurofibromatosis, type I; NEUROFIBROMATOSIS, TYPE I, SOMATIC; Peripheral type neurofibromatosis; VON RECKLINGHAUSEN DISEASE. Identifiers: Orphanet 636, MedGen C0027831, MONDO:0018975, OMIM 162200. Disease mechanism: loss of function.

Submissions (2):

Labcorp Genetics (formerly Invitae), Labcorp
Classification: Pathogenic for Neurofibromatosis, type 1. Last evaluated: 2025-03-30. Review status: criteria provided, single submitter. Criteria: Invitae Variant Classification Sherloc (09022015). Collection method: clinical testing. Allele origin: germline.
Comment: This sequence change creates a premature translational stop signal (p.Thr1568Argfs*2) in the NF1 gene. It is expected to result in an absent or disrupted protein product. Loss-of-function variants in NF1 are known to be pathogenic (PMID: 10712197, 23913538). This variant is not present in population databases (gnomAD no frequency). This premature translational stop signal has been observed in individual(s) with neurofibromatosis, type 1 (PMID: 12872266). This variant is also known as c.4699delA. ClinVar contains an entry for this variant (Variation ID: 428977). For these reasons, this variant has been classified as Pathogenic.

Ambry Genetics
Classification: Pathogenic for Hereditary cancer-predisposing syndrome. Last evaluated: 2015-12-09. Review status: criteria provided, single submitter. Criteria: Ambry Autosomal Dominant and X-Linked criteria (10/2015). Collection method: clinical testing. Allele origin: germline. Observed: 1 variant allele.
Comment: The c.4765delA(also known as c.4702delA) pathogenic mutation, located in coding exon 36 of the NF1 gene, results from a deletion of one nucleotide at position 4765, causing a translational frameshift with a predicted alternate stop codon. In one study, this mutation was referred to as c.4699delA andwas detected inone individual who had a clinical diagnosis of NF1 according to the NIH consensus criteria (OrigoneP, et al. Hum.Mutat. 2003 Aug; 22(2):179-80).In addition to the clinical data presented in the literature, since frameshifts are typically deleterious in nature, this alteration is interpreted as a disease-causing mutation (ACMG Recommendations for Standards for Interpretation and Reporting of Sequence Variations. Revision 2007. Genet Med. 2008;10:294).<br />

Literature cited by the submitters: PubMed 10712197 (cited by Labcorp Genetics (formerly Invitae), Labcorp); PubMed 23913538 (cited by Labcorp Genetics (formerly Invitae), Labcorp); PubMed 12872266 (cited by Labcorp Genetics (formerly Invitae), Labcorp and Ambry Genetics).

NM_001042492.3(NF1):c.4765del (p.Thr1589fs)

Gene: NF1 (neurofibromin 1; plus strand). Cytogenetic location: 17q11.2.
Variant type: Deletion.
Coding change: c.4765del on transcript NM_001042492.3 (MANE Select); coding-DNA position 4765, one base deleted (A; older notation c.4765delA).
Protein change: p.Thr1589fs; shifts the reading frame from threonine 1589.
Molecular consequence: frameshift variant.
Genome position (GRCh38, 1-based): chr17:31,265,269, A deleted; the last of 4 consecutive A bases (chr17:31,265,266-31,265,269); deleting any one gives the same sequence. VCF-style (leftmost placement, unchanged base first): chr17-31265265-GA-G. GRCh37 (hg19) VCF-style: chr17-29592283-GA-G.
Other names: c.4702delA, p.Thr1568Argfs (NM_000267.4); short protein forms T1589fs, T1568fs.
Identifiers: ClinVar variation 428977 (VCV000428977.6), dbSNP rs1131691098, ClinGen allele CA645369647.